The following is an entry in ClinVar:

ClinVar aggregate classification (germline): Uncertain significance. Review status: criteria provided, multiple submitters, no conflicts (2 of 4 stars). 4 submissions from 4 submitters: Uncertain significance (4). Last evaluated 2026-06-01.

Conditions:
Inborn genetic diseases. Identifiers: MedGen C0950123, MeSH D030342.
X-linked lissencephaly with abnormal genitalia. Identifiers: Orphanet 452, MedGen C1846171, MONDO:0010268, OMIM 300215.
Developmental and epileptic encephalopathy, 1 (DEE1). Also called: INFANTILE SPASM SYNDROME, X-LINKED 1; Epileptic encephalopathy, early infantile, 1; OHTAHARA SYNDROME, X-LINKED; X-linked infantile spasms; West's syndrome; Tonic spasms with clustering, arrest of psychomotor development and hypsarrhythmia on EEG. Identifiers: MedGen C3463992, MONDO:0010632, OMIM 308350. Disease mechanism: loss of function.
Corpus callosum agenesis-abnormal genitalia syndrome. Also called: PROUD SYNDROME; ACC WITH ABNORMAL GENITALIA. Identifiers: Orphanet 2508, MedGen C0796124, MONDO:0010224, OMIM 300004.
Partington syndrome (PRTS). Also called: MENTAL RETARDATION, X-LINKED 36; MENTAL RETARDATION, X-LINKED, SYNDROMIC 1; MENTAL RETARDATION, X-LINKED, WITH DYSTONIC MOVEMENTS, ATAXIA, AND SEIZURES; Mental retardation-dystonic movements-ataxia-seizures syndrome. Identifiers: Orphanet 94083, MedGen C0796250, MONDO:0010654, OMIM 309510.
Intellectual disability, X-linked, with or without seizures, ARX-related. Also called: Mental retardation, X-linked 52; MENTAL RETARDATION, X-LINKED 29; MENTAL RETARDATION, X-LINKED 32; MENTAL RETARDATION, X-LINKED 33; MENTAL RETARDATION, X-LINKED 38; MENTAL RETARDATION, X-LINKED 43. Identifiers: Orphanet 777, MedGen C0796244, MONDO:0010317, OMIM 300419.

Allele frequency attached by ClinVar (database versions not stated): TOPMed below 0.00001; gnomAD exomes 0.00001 and 0.00004.
gnomAD v4.1: 3 of 1,125,872 alleles (0.00027%); highest among the groups gnomAD compares: Admixed American, 0.009%; no homozygotes.

Submissions (4):

CeGaT Center for Human Genetics Tuebingen
Classification: Uncertain significance. Last evaluated: 2026-06-01. Review status: criteria provided, single submitter. Criteria: CeGaT Center For Human Genetics Tuebingen Variant Classification Criteria Version 2. Collection method: clinical testing. Allele origin: germline. Affected: yes. Observed: 1 variant allele.
Comment: ARX: PM2:Supporting, PP3

Labcorp Genetics (formerly Invitae), Labcorp
Classification: Uncertain significance for Developmental and epileptic encephalopathy, 1; Intellectual disability, X-linked, with or without seizures, ARX-related. Last evaluated: 2025-02-26. Review status: criteria provided, single submitter. Criteria: Invitae Variant Classification Sherloc (09022015). Collection method: clinical testing. Allele origin: germline.
Comment: This sequence change replaces leucine, which is neutral and non-polar, with phenylalanine, which is neutral and non-polar, at codon 484 of the ARX protein (p.Leu484Phe). The frequency data for this variant in the population databases is considered unreliable, as metrics indicate poor data quality at this position in the gnomAD database. This variant has not been reported in the literature in individuals affected with ARX-related conditions. ClinVar contains an entry for this variant (Variation ID: 588454). An algorithm developed to predict the effect of missense changes on protein structure and function (PolyPhen-2) suggests that this variant is likely to be tolerated. In summary, the available evidence is currently insufficient to determine the role of this variant in disease. Therefore, it has been classified as a Variant of Uncertain Significance.

Fulgent Genetics
Classification: Uncertain significance for Corpus callosum agenesis-abnormal genitalia syndrome; X-linked lissencephaly with abnormal genitalia; Intellectual disability, X-linked, with or without seizures, ARX-related; Developmental and epileptic encephalopathy, 1; Partington syndrome. Last evaluated: 2022-01-05. Review status: criteria provided, single submitter. Criteria: ACMG Guidelines, 2015. Collection method: clinical testing. Allele origin: unknown.

Ambry Genetics
Classification: Uncertain significance for Inborn genetic diseases. Last evaluated: 2016-11-18. Review status: criteria provided, single submitter. Criteria: Ambry Variant Classification Scheme 2023. Collection method: clinical testing. Allele origin: germline.
Comment: The p.L484F variant (also known as c.1450C>T), located in coding exon 5 of the ARX gene, results from a C to T substitution at nucleotide position 1450. The leucine at codon 484 is replaced by phenylalanine, an amino acid with highly similar properties. This variant was not reported in population based cohorts in the following databases: Database of Single Nucleotide Polymorphisms (dbSNP), NHLBI Exome Sequencing Project (ESP), and 1000 Genomes Project. In the ESP, this variant was not observed in 5980 samples with coverage at this position. This amino acid position is highly conserved in available vertebrate species. In addition, the in silico prediction for this alteration is inconclusive. Since supporting evidence is limited at this time, the clinical significance of this variant remains unclear.

NM_139058.3(ARX):c.1450C>T (p.Leu484Phe)

Gene: ARX (aristaless related homeobox; minus strand). Cytogenetic location: Xp21.3.
Variant type: single nucleotide variant.
Coding change: c.1450C>T on transcript NM_139058.3 (MANE Select); coding-DNA position 1450, C replaced by T.
Protein change: p.Leu484Phe; replaces leucine 484 with phenylalanine.
Molecular consequence: missense variant.
Genome position (GRCh38, 1-based): chrX:25,004,909, G>A on the plus strand (C>T on the coding strand, the complement: ARX is on the minus strand). VCF-style: chrX-25004909-G-A. GRCh37 (hg19) VCF-style: chrX-25023026-G-A.
Other names: short protein forms L484F.
Identifiers: ClinVar variation 588454 (VCV000588454.10), dbSNP rs752649243, ClinGen allele CA10373781.